The following is an entry in ClinVar:

NM_015215.4(CAMTA1):c.898C>T (p.His300Tyr)

Gene: CAMTA1 (calmodulin binding transcription activator 1; plus strand). Cytogenetic location: 1p36.23.
Variant type: single nucleotide variant.
Coding change: c.898C>T on transcript NM_015215.4 (MANE Select); coding-DNA position 898, C replaced by T.
Protein change: p.His300Tyr; replaces histidine 300 with tyrosine.
Molecular consequence: missense variant.
Genome position (GRCh38, 1-based): chr1:7,663,445, C>T. VCF-style: chr1-7663445-C-T. GRCh37 (hg19) VCF-style: chr1-7723505-C-T.
Other names: c.808C>T, p.His270Tyr (NM_001349608.2, NM_001349612.2); c.898C>T, p.His300Tyr (NM_001349609.2, NM_001349610.2, NM_001410737.1); c.826C>T, p.His276Tyr (NM_001410738.1); short protein forms H270Y, H276Y, H300Y.
Identifiers: ClinVar variation 4082621 (VCV004082621.1).

ClinVar aggregate classification (germline): Uncertain significance (1 of 4 stars; one submission).

Submission:

GeneDx
Classification: Uncertain significance. Last evaluated: 2025-03-02. Review status: criteria provided, single submitter. Criteria: GeneDx Variant Classification Process June 2021. Collection method: clinical testing. Allele origin: germline. Affected: yes.
Comment: Not observed at significant frequency in large population cohorts (gnomAD); In silico analysis indicates that this missense variant does not alter protein structure/function; Has not been previously published as pathogenic or benign to our knowledge